The following is an entry in ClinVar:

ClinVar aggregate classification (germline): Pathogenic (1 of 4 stars; one submission).

Conditions:
Primary ciliary dyskinesia. Also called: Ciliary dyskinesia. Identifiers: Orphanet 244, MedGen C0008780, MONDO:0016575, HP:0012265.

gnomAD v4.1: 1 of 1,207,068 alleles (0.000083%); highest among the groups gnomAD compares: Non-Finnish European, 0.00011%; no homozygotes.

Submission:

Labcorp Genetics (formerly Invitae), Labcorp
Classification: Pathogenic for Primary ciliary dyskinesia. Last evaluated: 2024-02-06. Review status: criteria provided, single submitter. Criteria: Invitae Variant Classification Sherloc (09022015). Collection method: clinical testing. Allele origin: germline.
Comment: This sequence change creates a premature translational stop signal (p.Trp31*) in the RPGR gene. It is expected to result in an absent or disrupted protein product. Loss-of-function variants in RPGR are known to be pathogenic (PMID: 16055928, 16969763). This variant is not present in population databases (gnomAD no frequency). This premature translational stop signal has been observed in individual(s) with retinitis pigmentosa (PMID: 28559085). ClinVar contains an entry for this variant (Variation ID: 2152339). For these reasons, this variant has been classified as Pathogenic.

Literature cited by the submitters: PubMed 16055928; PubMed 16969763; PubMed 28559085.

NM_001034853.2(RPGR):c.93G>A (p.Trp31Ter)

Gene: RPGR (retinitis pigmentosa GTPase regulator; minus strand). Cytogenetic location: Xp11.4.
Variant type: single nucleotide variant.
Coding change: c.93G>A on transcript NM_001034853.2 (MANE Select); coding-DNA position 93, G replaced by A.
Protein change: p.Trp31Ter; replaces tryptophan 31 with a stop codon.
Molecular consequence: nonsense. On other transcripts: non-coding transcript variant (6).
Genome position (GRCh38, 1-based): chrX:38,323,460, C>T on the plus strand (G>A on the coding strand, the complement: RPGR is on the minus strand). VCF-style: chrX-38323460-C-T. GRCh37 (hg19) VCF-style: chrX-38182713-C-T.
Other names: c.93G>A, p.Trp31Ter (NM_000328.3, NM_001367245.1, NM_001367246.1 and 4 more transcripts); c.123G>A, p.Trp41Ter (NM_001367248.1); short protein forms W31*, W41*.
Identifiers: ClinVar variation 2152339 (VCV002152339.4), dbSNP rs2519912364, ClinGen allele CA412745922.